The following is an entry in ClinVar:

NM_015102.5(NPHP4):c.1320G>A (p.Ser440=)

Gene: NPHP4 (nephrocystin 4; minus strand). Cytogenetic location: 1p36.31.
Variant type: single nucleotide variant.
Coding change: c.1320G>A on transcript NM_015102.5 (MANE Select); coding-DNA position 1320, G replaced by A.
Protein change: p.Ser440=; no amino-acid change (serine 440 retained).
Molecular consequence: synonymous variant. On other transcripts: 5 prime UTR variant (2), non-coding transcript variant (1).
Genome position (GRCh38, 1-based): chr1:5,927,770, C>T on the plus strand (G>A on the coding strand, the complement: NPHP4 is on the minus strand). VCF-style: chr1-5927770-C-T. GRCh37 (hg19) VCF-style: chr1-5987830-C-T.
Other names: c.1320G>A (NM_015102.4); c.-47G>A (NM_001291593.2, NM_001291594.2).
Identifiers: ClinVar variation 1110488 (VCV001110488.10), dbSNP rs775008568, ClinGen allele CA554550.

ClinVar aggregate classification (germline): Likely benign. Review status: criteria provided, single submitter (1 of 4 stars). 2 submissions from 2 submitters: Likely benign (1). 1 of the submissions does not count toward it. Last evaluated 2025-02-03.

Conditions:
Nephronophthisis. Also called: Juvenile Nephronophthisis. Identifiers: Orphanet 655, MedGen C0687120, MONDO:0019005, HP:0000090.
NPHP4-related disorder. Also called: NPHP4-related disorders; NPHP4-related condition. Identifiers: MedGen CN239384.

Allele frequency attached by ClinVar (database versions not stated): ExAC 0.00002; gnomAD exomes 0.00003; gnomAD 0.00006 and 0.00007; TOPMed 0.00006.
gnomAD v4.1: 19 of 1,611,046 alleles (0.0012%); highest among the groups gnomAD compares: Middle Eastern, 0.016%; no homozygotes.

Submissions (2):

Labcorp Genetics (formerly Invitae), Labcorp
Classification: Likely benign for Nephronophthisis. Last evaluated: 2025-02-03. Review status: criteria provided, single submitter. Criteria: Invitae Variant Classification Sherloc (09022015). Collection method: clinical testing. Allele origin: germline.

PreventionGenetics, part of Exact Sciences
Classification: Likely benign for NPHP4-related condition. Last evaluated: 2024-06-21. Review status: no assertion criteria provided. Collection method: clinical testing. Allele origin: germline. Not counted in ClinVar's aggregate classification.
Comment: This variant is classified as likely benign based on ACMG/AMP sequence variant interpretation guidelines (Richards et al. 2015 PMID: 25741868, with internal and published modifications).